The following is an entry in ClinVar:

ClinVar aggregate classification (germline): Likely benign (1 of 4 stars; one submission).

Submission:

CeGaT Center for Human Genetics Tuebingen
Classification: Likely benign. Last evaluated: 2026-03-01. Review status: criteria provided, single submitter. Criteria: CeGaT Center For Human Genetics Tuebingen Variant Classification Criteria Version 2. Collection method: clinical testing. Allele origin: germline. Affected: yes. Observed: 1 variant allele.
Comment: THBS2: BS2

NM_003247.5(THBS2):c.1550G>A (p.Arg517His)

Genes: THBS2 (thrombospondin 2; minus strand), THBS2-AS1 (THBS2 antisense RNA 1; plus strand). Cytogenetic location: 6q27.
Variant type: single nucleotide variant.
Coding change: c.1550G>A on transcript NM_003247.5 (MANE Select); coding-DNA position 1550, G replaced by A.
Protein change: p.Arg517His; replaces arginine 517 with histidine.
Molecular consequence: missense variant. On other transcripts: non-coding transcript variant (2), intron variant (1).
Genome position (GRCh38, 1-based): chr6:169,234,835, C>T on the plus strand (G>A on the coding strand, the complement: THBS2 is on the minus strand). VCF-style: chr6-169234835-C-T. GRCh37 (hg19) VCF-style: chr6-169634930-C-T.
Other names: c.1550G>A, p.Arg517His (NM_001381940.1); c.1319G>A, p.Arg440His (NM_001381942.1); c.1478-1818G>A (NM_001381939.1); short protein forms R440H, R517H.
Identifiers: ClinVar variation 4821498 (VCV004821498.4).